The following is an entry in ClinVar:

ClinVar aggregate classification (germline): Uncertain significance. Review status: criteria provided, multiple submitters, no conflicts (2 of 4 stars). 2 submissions from 2 submitters: Uncertain significance (2). Last evaluated 2023-10-05.

Allele frequency attached by ClinVar (database versions not stated): gnomAD exomes below 0.00001.

Submissions (2):

Labcorp Genetics (formerly Invitae), Labcorp
Classification: Uncertain significance. Last evaluated: 2023-10-05. Review status: criteria provided, single submitter. Criteria: Invitae Variant Classification Sherloc (09022015). Collection method: clinical testing. Allele origin: germline.
Comment: This sequence change replaces tyrosine, which is neutral and polar, with histidine, which is basic and polar, at codon 369 of the PRPF4 protein (p.Tyr369His). This variant is not present in population databases (gnomAD no frequency). This variant has not been reported in the literature in individuals affected with PRPF4-related conditions. ClinVar contains an entry for this variant (Variation ID: 2307285). An algorithm developed to predict the effect of missense changes on protein structure and function (PolyPhen-2) suggests that this variant is likely to be tolerated. Algorithms developed to predict the effect of sequence changes on RNA splicing suggest that this variant may disrupt the consensus splice site. In summary, the available evidence is currently insufficient to determine the role of this variant in disease. Therefore, it has been classified as a Variant of Uncertain Significance.

Ambry Genetics
Classification: Uncertain significance. Last evaluated: 2022-08-16. Review status: criteria provided, single submitter. Criteria: Ambry Variant Classification Scheme 2023. Collection method: clinical testing. Allele origin: germline.

NM_001244926.2(PRPF4):c.1102T>C (p.Tyr368His)

Gene: PRPF4 (pre-mRNA splicing tri-snRNP complex factor PRPF4; plus strand). Cytogenetic location: 9q32.
Variant type: single nucleotide variant.
Coding change: c.1102T>C on transcript NM_001244926.2 (MANE Select); coding-DNA position 1102, T replaced by C.
Protein change: p.Tyr368His; replaces tyrosine 368 with histidine.
Molecular consequence: missense variant.
Genome position (GRCh38, 1-based): chr9:113,290,545, T>C. VCF-style: chr9-113290545-T-C. GRCh37 (hg19) VCF-style: chr9-116052825-T-C.
Other names: c.376T>C, p.Tyr126His (NM_001322266.2, NM_001322267.2); c.1105T>C, p.Tyr369His (NM_004697.5); short protein forms Y368H, Y369H, Y126H.
Identifiers: ClinVar variation 2307285 (VCV002307285.5), dbSNP rs2490840474, ClinGen allele CA374555164.